The following is an entry in ClinVar:

NM_002340.6(LSS):c.1356C>T (p.Ile452=)

Gene: LSS (lanosterol synthase; minus strand). Cytogenetic location: 21q22.3.
Variant type: single nucleotide variant.
Coding change: c.1356C>T on transcript NM_002340.6 (MANE Select); coding-DNA position 1356, C replaced by T.
Protein change: p.Ile452=; no amino-acid change (isoleucine 452 retained).
Molecular consequence: synonymous variant.
Genome position (GRCh38, 1-based): chr21:46,207,539, G>A on the plus strand (C>T on the coding strand, the complement: LSS is on the minus strand). VCF-style: chr21-46207539-G-A. GRCh37 (hg19) VCF-style: chr21-47627453-G-A.
Other names: c.1356C>T, p.Ile452= (NM_001001438.3); c.1323C>T, p.Ile441= (NM_001145436.2); c.1116C>T, p.Ile372= (NM_001145437.2).
Identifiers: ClinVar variation 2652813 (VCV002652813.24), dbSNP rs575820792, ClinGen allele CA10075021.

ClinVar aggregate classification (germline): Likely benign (1 of 4 stars; one submission).

Allele frequency attached by ClinVar (database versions not stated): gnomAD exomes 0.00005; TOPMed 0.00006; gnomAD 0.00007; ExAC 0.00011; 1000 Genomes Project 30x 0.00047; 1000 Genomes Project 0.00060.
gnomAD v4.1: 89 of 1,610,934 alleles (0.0055%); highest among the groups gnomAD compares: South Asian, 0.054%; no homozygotes.

Submission:

CeGaT Center for Human Genetics Tuebingen
Classification: Likely benign. Last evaluated: 2023-05-01. Review status: criteria provided, single submitter. Criteria: CeGaT Center For Human Genetics Tuebingen Variant Classification Criteria Version 2. Collection method: clinical testing. Allele origin: germline. Affected: yes. Observed: 1 variant allele.
Comment: LSS: BP4, BP7